The following is an entry in ClinVar:

ClinVar aggregate classification (germline): Uncertain significance (1 of 4 stars; one submission).

Submission:

GeneDx
Classification: Uncertain significance. Last evaluated: 2026-03-30. Review status: criteria provided, single submitter. Criteria: GeneDx Variant Classification Process June 2021. Collection method: clinical testing. Allele origin: germline.
Comment: Not observed at significant frequency in large population cohorts (gnomAD); In silico analysis suggests that this missense variant does not alter protein structure/function; Has not been previously published as pathogenic or benign to our knowledge

NM_001010942.3(RAP1B):c.373G>A (p.Val125Ile)

Gene: RAP1B (RAP1B, member of RAS oncogene family; plus strand). Cytogenetic location: 12q15.
Variant type: single nucleotide variant.
Coding change: c.373G>A on transcript NM_001010942.3 (MANE Select); coding-DNA position 373, G replaced by A.
Protein change: p.Val125Ile; replaces valine 125 with isoleucine.
Molecular consequence: missense variant.
Genome position (GRCh38, 1-based): chr12:68,656,354, G>A. VCF-style: chr12-68656354-G-A. GRCh37 (hg19) VCF-style: chr12-69050134-G-A.
Other names: c.247G>A, p.Val83Ile (NM_001251917.2, NM_001251918.2); c.316G>A, p.Val106Ile (NM_001251921.2); c.232G>A, p.Val78Ile (NM_001251922.2); c.373G>A, p.Val125Ile (NM_015646.6); short protein forms V106I, V125I, V78I, V83I.
Identifiers: ClinVar variation 5017574 (VCV005017574.1).
Genomic context (GRCh38, chr12:68,656,354, plus strand): 5'-ATGTATTTTTAGGTTCCAATGATTCTTGTTGGTAATAAGTGTGACTTGGAAGATGAAAGA[G>A]TTGTAGGGAAGGAACAAGGTCAAAATCTAGCAAGACAATGGAACAACTGTGCATTCTTAG-3'
Protein context (NP_001010942.1, residues 115-135): GNKCDLEDER[Val125Ile]VGKEQGQNLA